The following is an entry in ClinVar:

NM_181882.3(PRX):c.1465G>A (p.Val489Met)

Gene: PRX (periaxin; minus strand). Cytogenetic location: 19q13.2.
Variant type: single nucleotide variant.
Coding change: c.1465G>A on transcript NM_181882.3 (MANE Select); coding-DNA position 1465, G replaced by A.
Protein change: p.Val489Met; replaces valine 489 with methionine.
Molecular consequence: missense variant. On other transcripts: 3 prime UTR variant (1).
Genome position (GRCh38, 1-based): chr19:40,396,887, C>T on the plus strand (G>A on the coding strand, the complement: PRX is on the minus strand). VCF-style: chr19-40396887-C-T. GRCh37 (hg19) VCF-style: chr19-40902794-C-T.
Other names: c.*1670G>A (NM_020956.2); c.1465G>A (NM_181882.2); short protein forms V489M.
Identifiers: ClinVar variation 1401358 (VCV001401358.5), dbSNP rs753734869, ClinGen allele CA9444257.

ClinVar aggregate classification (germline): Uncertain significance. Review status: criteria provided, multiple submitters, no conflicts (2 of 4 stars). 3 submissions from 3 submitters: Uncertain significance (3). Last evaluated 2026-07-08.

Conditions:
PRX-related disorder. Also called: PRX-related condition; PRX-Related Disorders.
Charcot-Marie-Tooth disease type 4. Also called: Charcot-Marie-Tooth disease, type IV; Charcot-Marie-Tooth, Type 4. Identifiers: Orphanet 64749, MedGen C4082197, MONDO:0018995.
Inborn genetic diseases. Identifiers: MedGen C0950123, MeSH D030342.

Allele frequency attached by ClinVar (database versions not stated): gnomAD exomes 0.00001; gnomAD 0.00002 and 0.00003; ExAC 0.00003.
gnomAD v4.1: 7 of 1,614,158 alleles (0.00043%); highest among the groups gnomAD compares: Middle Eastern, 0.016%; no homozygotes.

Submissions (3):

PreventionGenetics, part of Exact Sciences
Classification: Uncertain significance for PRX-related condition. Last evaluated: 2026-07-08. Review status: criteria provided, single submitter. Criteria: ACMG Guidelines, 2015. Collection method: clinical testing. Allele origin: germline.
Comment: The PRX c.1465G>A variant is predicted to result in the amino acid substitution p.Val489Met. To our knowledge, this variant has not been reported in the literature. This variant is reported in 0.0023% of alleles in individuals of European (non-Finnish) descent in gnomAD. At this time, the clinical significance of this variant is uncertain due to the absence of conclusive functional and genetic evidence.

Ambry Genetics
Classification: Uncertain significance for Inborn genetic diseases. Last evaluated: 2022-04-12. Review status: criteria provided, single submitter. Criteria: Ambry Variant Classification Scheme 2023. Collection method: clinical testing. Allele origin: germline.

Labcorp Genetics (formerly Invitae), Labcorp
Classification: Uncertain significance for Charcot-Marie-Tooth disease type 4. Last evaluated: 2021-10-03. Review status: criteria provided, single submitter. Criteria: Invitae Variant Classification Sherloc (09022015). Collection method: clinical testing. Allele origin: germline.
Comment: This sequence change replaces valine with methionine at codon 489 of the PRX protein (p.Val489Met). The valine residue is highly conserved and there is a small physicochemical difference between valine and methionine. This variant is present in population databases (rs753734869, ExAC 0.005%). This variant has not been reported in the literature in individuals affected with PRX-related conditions. Algorithms developed to predict the effect of missense changes on protein structure and function are either unavailable or do not agree on the potential impact of this missense change (SIFT: "Deleterious"; PolyPhen-2: "Possibly Damaging"; Align-GVGD: "Class C0"). In summary, the available evidence is currently insufficient to determine the role of this variant in disease. Therefore, it has been classified as a Variant of Uncertain Significance.